The following is an entry in ClinVar:

ClinVar aggregate classification (germline): Uncertain significance (1 of 4 stars; one submission).

Conditions:
PLXNA2-related disorder. Also called: PLXNA2-related condition.

Allele frequency attached by ClinVar (database versions not stated): TOPMed 0.00004.
gnomAD v4.1: 39 of 1,614,006 alleles (0.0024%); highest among the groups gnomAD compares: Middle Eastern, 0.017%; no homozygotes.

Submission:

PreventionGenetics, part of Exact Sciences
Classification: Uncertain significance for PLXNA2-related condition. Last evaluated: 2025-02-28. Review status: criteria provided, single submitter. Criteria: ACMG Guidelines, 2015. Collection method: clinical testing. Allele origin: germline.
Comment: The PLXNA2 c.4042G>A variant is predicted to result in the amino acid substitution p.Val1348Met. To our knowledge, this variant has not been reported in the literature. This variant is reported in 0.0031% of alleles in individuals of European (Non-Finnish) descent in gnomAD. At this time, the clinical significance of this variant is uncertain due to the absence of conclusive functional and genetic evidence.

NM_025179.4(PLXNA2):c.4042G>A (p.Val1348Met)

Gene: PLXNA2 (plexin A2; minus strand). Cytogenetic location: 1q32.2.
Variant type: single nucleotide variant.
Coding change: c.4042G>A on transcript NM_025179.4 (MANE Select); coding-DNA position 4042, G replaced by A.
Protein change: p.Val1348Met; replaces valine 1348 with methionine.
Molecular consequence: missense variant.
Genome position (GRCh38, 1-based): chr1:208,042,342, C>T on the plus strand (G>A on the coding strand, the complement: PLXNA2 is on the minus strand). VCF-style: chr1-208042342-C-T. GRCh37 (hg19) VCF-style: chr1-208215687-C-T.
Other names: short protein forms V1348M.
Identifiers: ClinVar variation 3052906 (VCV003052906.3), dbSNP rs764579780, ClinGen allele CA1372976.